The following is an entry in ClinVar:

ClinVar aggregate classification (germline): Pathogenic (1 of 4 stars; one submission).

Conditions:
Multiple acyl-CoA dehydrogenase deficiency (MADD). Also called: Glutaric acidemia type II; GA 2; Glutaric aciduria, type 2; ETHYLMALONIC-ADIPICACIDURIA; GA II; Glutaric Acidemia type 2. Identifiers: Orphanet 26791, MedGen C0268596, MONDO:0009282, OMIM 231680.

Submission:

Labcorp Genetics (formerly Invitae), Labcorp
Classification: Pathogenic for Multiple acyl-CoA dehydrogenase deficiency. Last evaluated: 2023-04-07. Review status: criteria provided, single submitter. Criteria: Invitae Variant Classification Sherloc (09022015). Collection method: clinical testing. Allele origin: germline.
Comment: For these reasons, this variant has been classified as Pathogenic. This variant has not been reported in the literature in individuals affected with ETFDH-related conditions. This variant is not present in population databases (gnomAD no frequency). This sequence change creates a premature translational stop signal (p.Glu144Argfs*24) in the ETFDH gene. It is expected to result in an absent or disrupted protein product. Loss-of-function variants in ETFDH are known to be pathogenic (PMID: 16510302, 23785301).

Literature cited by the submitters: PubMed 16510302; PubMed 23785301.

NM_004453.4(ETFDH):c.430_431del (p.Glu144fs)

Gene: ETFDH (electron transfer flavoprotein dehydrogenase; plus strand). Cytogenetic location: 4q32.1.
Variant type: Deletion.
Coding change: c.430_431del on transcript NM_004453.4 (MANE Select); coding-DNA positions 430 to 431, 2 bases deleted (GA; older notation c.430_431delGA).
Protein change: p.Glu144fs; shifts the reading frame from glutamic acid 144.
Molecular consequence: frameshift variant.
Genome position (GRCh38, 1-based): chr4:158,684,616-158,684,617, GA deleted; deleting any 2 consecutive bases within chr4:158,684,615-158,684,617 gives the same sequence; the c. name uses the placement nearest the transcript's 3' end. VCF-style (leftmost placement, unchanged base first): chr4-158684614-CAG-C. GRCh37 (hg19) VCF-style: chr4-159605766-CAG-C.
Other names: c.289_290del, p.Glu97fs (NM_001281737.2); c.247_248del, p.Glu83fs (NM_001281738.1); short protein forms E97fs, E144fs, E83fs.
Identifiers: ClinVar variation 2853114 (VCV002853114.3), dbSNP rs2479086057, ClinGen allele CA2739270339.